The following is an entry in ClinVar:

ClinVar aggregate classification (germline): Uncertain significance. Review status: criteria provided, multiple submitters, no conflicts (2 of 4 stars). 3 submissions from 3 submitters: Uncertain significance (3). Last evaluated 2025-06-30.

Conditions:
Tumor predisposition syndrome 3 (TPDS3). Also called: Melanoma, cutaneous malignant, susceptibility to, 10; Glioma susceptibility 9; LONG TELOMERE SYNDROME, POT1-RELATED; POT1 Tumor Predisposition. Identifiers: Orphanet 618, MedGen C4014476, MONDO:0014368, OMIM 615848.
Hereditary cancer-predisposing syndrome. Also called: Hereditary Cancer Syndrome; Hereditary neoplastic syndrome; Neoplastic Syndromes, Hereditary; Tumor predisposition. Identifiers: Orphanet 140162, MedGen C0027672, MeSH D009386, MONDO:0015356.

gnomAD v4.1: 3 of 1,583,178 alleles (0.00019%); highest among the groups gnomAD compares: Non-Finnish European, 0.00017%; no homozygotes.

Submissions (3):

Ambry Genetics
Classification: Uncertain significance for Hereditary cancer-predisposing syndrome. Last evaluated: 2025-06-30. Review status: criteria provided, single submitter. Criteria: Ambry Variant Classification Scheme 2023. Collection method: clinical testing. Allele origin: germline.
Comment: The p.Q341H variant (also known as c.1023G>T), located in coding exon 9 of the POT1 gene, results from a G to T substitution at nucleotide position 1023. The glutamine at codon 341 is replaced by histidine, an amino acid with highly similar properties. This amino acid position is conserved. In addition, this alteration is predicted to be tolerated by in silico analysis. Since supporting evidence is limited at this time, the clinical significance of this alteration remains unclear.

Labcorp Genetics (formerly Invitae), Labcorp
Classification: Uncertain significance for Tumor predisposition syndrome 3. Last evaluated: 2024-06-12. Review status: criteria provided, single submitter. Criteria: Invitae Variant Classification Sherloc (09022015). Collection method: clinical testing. Allele origin: germline.
Comment: This sequence change replaces glutamine, which is neutral and polar, with histidine, which is basic and polar, at codon 341 of the POT1 protein (p.Gln341His). This variant is not present in population databases (gnomAD no frequency). This variant has not been reported in the literature in individuals affected with POT1-related conditions. ClinVar contains an entry for this variant (Variation ID: 1722823). Advanced modeling of protein sequence and biophysical properties (such as structural, functional, and spatial information, amino acid conservation, physicochemical variation, residue mobility, and thermodynamic stability) performed at Invitae indicates that this missense variant is not expected to disrupt POT1 protein function with a negative predictive value of 80%. In summary, the available evidence is currently insufficient to determine the role of this variant in disease. Therefore, it has been classified as a Variant of Uncertain Significance.

GeneDx
Classification: Uncertain significance. Last evaluated: 2022-05-02. Review status: criteria provided, single submitter. Criteria: GeneDx Variant Classification Process June 2021. Collection method: clinical testing. Allele origin: germline. Affected: yes.
Comment: Not observed at significant frequency in large population cohorts (gnomAD); In silico analysis supports that this missense variant does not alter protein structure/function; Has not been previously published as pathogenic or benign to our knowledge

NM_015450.3(POT1):c.1023G>T (p.Gln341His)

Gene: POT1 (protection of telomeres 1; minus strand). Cytogenetic location: 7q31.33.
Variant type: single nucleotide variant.
Coding change: c.1023G>T on transcript NM_015450.3 (MANE Select); coding-DNA position 1023, G replaced by T.
Protein change: p.Gln341His; replaces glutamine 341 with histidine.
Molecular consequence: missense variant. On other transcripts: non-coding transcript variant (3).
Genome position (GRCh38, 1-based): chr7:124,842,947, C>A on the plus strand (G>T on the coding strand, the complement: POT1 is on the minus strand). VCF-style: chr7-124842947-C-A. GRCh37 (hg19) VCF-style: chr7-124483001-C-A.
Other names: c.630G>T, p.Gln210His (NM_001042594.2); short protein forms Q210H, Q341H.
Identifiers: ClinVar variation 1722823 (VCV001722823.7), dbSNP rs147003926, ClinGen allele CA369068608.